The following is an entry in ClinVar:

NM_016360.4(TACO1):c.42C>G (p.Ala14=)

Gene: TACO1 (translational activator of cytochrome c oxidase I; plus strand). Cytogenetic location: 17q23.3.
Variant type: single nucleotide variant.
Coding change: c.42C>G on transcript NM_016360.4 (MANE Select); coding-DNA position 42, C replaced by G.
Protein change: p.Ala14=; no amino-acid change (alanine 14 retained).
Molecular consequence: synonymous variant.
Genome position (GRCh38, 1-based): chr17:63,601,125, C>G. VCF-style: chr17-63601125-C-G. GRCh37 (hg19) VCF-style: chr17-61678484-C-G.
Identifiers: ClinVar variation 2648081 (VCV002648081.24), dbSNP rs1435875016, ClinGen allele CA501342954.

ClinVar aggregate classification (germline): Likely benign (1 of 4 stars; one submission).

Allele frequency attached by ClinVar (database versions not stated): gnomAD 0.00001; gnomAD exomes 0.00001; TOPMed 0.00001.

Submission:

CeGaT Center for Human Genetics Tuebingen
Classification: Likely benign. Last evaluated: 2026-07-01. Review status: criteria provided, single submitter. Criteria: CeGaT Center For Human Genetics Tuebingen Variant Classification Criteria Version 2. Collection method: clinical testing. Allele origin: germline. Affected: yes. Observed: 3 variant alleles.
Comment: TACO1: BP4, BP7